The following is an entry in ClinVar:

ClinVar aggregate classification (germline): Pathogenic. Review status: criteria provided, single submitter (1 of 4 stars). 3 submissions from 3 submitters: Pathogenic (1). 2 of the submissions do not count toward it. Last evaluated 2020-01-16.

Conditions:
Amyotrophic lateral sclerosis type 2, juvenile. Also called: ALS, JUVENILE; Amyotrophic lateral sclerosis type 2. Identifiers: Orphanet 300605, MedGen C1859807, MONDO:0008780, OMIM 205100.
Juvenile primary lateral sclerosis (PLSJ). Also called: Juvenile Primary Lateral Sclerosis (JPLS). Identifiers: Orphanet 247604, MedGen C1853396, MONDO:0011663, OMIM 606353.

Submissions (3):

Institute of Human Genetics Munich, TUM University Hospital
Classification: Pathogenic for Juvenile primary lateral sclerosis. Last evaluated: 2020-01-16. Review status: criteria provided, single submitter. Criteria: Classification criteria August 2017. Collection method: clinical testing. Allele origin: inherited. Inheritance: Autosomal recessive inheritance. Affected: yes. Observed: 1 homozygote.

GeneReviews
Classification: Pathogenic for ALS2-Related Disorders. Last evaluated: 2011-02-10. Review status: no assertion criteria provided. Collection method: curation. Allele origin: unknown. Not counted in ClinVar's aggregate classification.
ClinVar note: Converted during submission from pathologic to Pathogenic.

OMIM
Classification: Pathogenic for AMYOTROPHIC LATERAL SCLEROSIS 2, JUVENILE. Last evaluated: 2005-11-01. Review status: no assertion criteria provided. Collection method: literature only. Allele origin: germline. Not counted in ClinVar's aggregate classification.

Literature cited by the submitters: PubMed 16240357 (cited by OMIM).

NM_020919.4(ALS2):c.553del (p.Thr185fs)

Gene: ALS2 (alsin Rho guanine nucleotide exchange factor ALS2; minus strand). Cytogenetic location: 2q33.1.
Variant type: Deletion.
Coding change: c.553del on transcript NM_020919.4 (MANE Select); coding-DNA position 553, one base deleted (A; older notation c.553delA).
Protein change: p.Thr185fs; shifts the reading frame from threonine 185.
Molecular consequence: frameshift variant.
Genome position (GRCh38, 1-based): chr2:201,761,441, T deleted on the plus strand (A on the coding strand, the reverse complement: ALS2 is on the minus strand). VCF-style (leftmost placement, unchanged base first): chr2-201761440-GT-G. GRCh37 (hg19) VCF-style: chr2-202626163-GT-G.
Other names: c.553delA; c.553del, p.Thr185fs (NM_001135745.2); short protein forms T185fs.
Identifiers: ClinVar variation 4414 (VCV000004414.7), dbSNP rs386134174, ClinGen allele CA340250.